The following is an entry in ClinVar:

ClinVar aggregate classification (germline): Uncertain significance. Review status: criteria provided, multiple submitters, no conflicts (2 of 4 stars). 2 submissions from 2 submitters: Uncertain significance (2). Last evaluated 2025-04-29.

Allele frequency attached by ClinVar (database versions not stated): ExAC 0.00001; gnomAD 0.00002 and 0.00003; gnomAD exomes 0.00002 and 0.00003; TOPMed 0.00003.
gnomAD v4.1: 41 of 1,602,530 alleles (0.0026%); highest among the groups gnomAD compares: Middle Eastern, 0.017%; no homozygotes.

Submissions (2):

Ambry Genetics
Classification: Uncertain significance. Last evaluated: 2025-04-29. Review status: criteria provided, single submitter. Criteria: Ambry Variant Classification Scheme 2023. Collection method: clinical testing. Allele origin: germline.

Labcorp Genetics (formerly Invitae), Labcorp
Classification: Uncertain significance. Last evaluated: 2024-11-13. Review status: criteria provided, single submitter. Criteria: Invitae Variant Classification Sherloc (09022015). Collection method: clinical testing. Allele origin: germline.
Comment: This sequence change replaces arginine, which is basic and polar, with tryptophan, which is neutral and slightly polar, at codon 244 of the PSMG2 protein (p.Arg244Trp). This variant is present in population databases (rs761000363, gnomAD 0.009%). This variant has not been reported in the literature in individuals affected with PSMG2-related conditions. ClinVar contains an entry for this variant (Variation ID: 1374692). An algorithm developed to predict the effect of missense changes on protein structure and function (PolyPhen-2) suggests that this variant is likely to be disruptive. In summary, the available evidence is currently insufficient to determine the role of this variant in disease. Therefore, it has been classified as a Variant of Uncertain Significance.

NM_020232.5(PSMG2):c.730C>T (p.Arg244Trp)

Gene: PSMG2 (proteasome assembly chaperone 2; plus strand). Cytogenetic location: 18p11.21.
Variant type: single nucleotide variant.
Coding change: c.730C>T on transcript NM_020232.5 (MANE Select); coding-DNA position 730, C replaced by T.
Protein change: p.Arg244Trp; replaces arginine 244 with tryptophan.
Molecular consequence: missense variant.
Genome position (GRCh38, 1-based): chr18:12,725,466, C>T. VCF-style: chr18-12725466-C-T. GRCh37 (hg19) VCF-style: chr18-12725465-C-T.
Other names: c.637C>T, p.Arg213Trp (NM_147163.2); c.730C>T (NM_020232.4); short protein forms R213W, R244W.
Identifiers: ClinVar variation 1374692 (VCV001374692.7), dbSNP rs761000363, ClinGen allele CA8898499.